The following is an entry in ClinVar:

ClinVar aggregate classification (germline): Likely benign (1 of 4 stars; one submission).

Conditions:
Malignant hyperthermia, susceptibility to, 1 (MHS1). Also called: Anesthesia related hyperthermia; Malignant hyperpyrexia; Fulminating hyperpyrexia; Pharmacogenic myopathy; Malignant hyperthermia suceptibility 1; RYR1-Related Malignant Hyperthermia Susceptibility. Identifiers: Orphanet 423, MedGen C2930980, MONDO:0007783, OMIM 145600.

gnomAD v4.1: 8 of 1,614,002 alleles (0.0005%); highest among the groups gnomAD compares: Non-Finnish European, 0.00059%; no homozygotes.

Submission:

All of Us Research Program, National Institutes of Health
Classification: Likely benign for Malignant hyperthermia, susceptibility to, 1. Last evaluated: 2024-04-16. Review status: criteria provided, single submitter. Criteria: ACMG Guidelines, 2015. Collection method: clinical testing. Allele origin: germline. Inheritance: Autosomal dominant inheritance. Observed: 1 variant allele, 1 heterozygote.
Comment: This study involves interpretation of variants in research participants for the purpose of population health screening. Participant phenotype was not available at the time of variant classification. Additional details can be found in publication PMID: 35346344, PMCID: PMC8962531

NM_000540.3(RYR1):c.10938-3C>A

Gene: RYR1 (ryanodine receptor 1; plus strand). Cytogenetic location: 19q13.2.
Variant type: single nucleotide variant.
Coding change: c.10938-3C>A on transcript NM_000540.3 (MANE Select); 3 bases into the intron before coding-DNA position 10938, C replaced by A.
Molecular consequence: intron variant.
Genome position (GRCh38, 1-based): chr19:38,528,596, C>A. VCF-style: chr19-38528596-C-A. GRCh37 (hg19) VCF-style: chr19-39019236-C-A.
Other names: c.10923-3C>A (NM_001042723.2).
Identifiers: ClinVar variation 3385544 (VCV003385544.1).